The following is an entry in ClinVar:

NM_005251.3(FOXC2):c.770C>A (p.Pro257Gln)

Gene: FOXC2 (forkhead box C2; plus strand). Cytogenetic location: 16q24.1.
Variant type: single nucleotide variant.
Coding change: c.770C>A on transcript NM_005251.3 (MANE Select); coding-DNA position 770, C replaced by A.
Protein change: p.Pro257Gln; replaces proline 257 with glutamine.
Molecular consequence: missense variant.
Genome position (GRCh38, 1-based): chr16:86,568,105, C>A. VCF-style: chr16-86568105-C-A. GRCh37 (hg19) VCF-style: chr16-86601711-C-A.
Other names: short protein forms P257Q.
Identifiers: ClinVar variation 2635385 (VCV002635385.1), dbSNP rs922145263, ClinGen allele CA397008417.

ClinVar aggregate classification (germline): Uncertain significance (1 of 4 stars; one submission).

Conditions:
FOXC2-related disorder. Also called: FOXC2-related condition.

gnomAD v4.1: 3 of 1,372,442 alleles (0.00022%); highest among the groups gnomAD compares: East Asian, 0.003%; no homozygotes.

Submission:

PreventionGenetics, part of Exact Sciences
Classification: Uncertain significance for FOXC2-related condition. Last evaluated: 2022-12-09. Review status: criteria provided, single submitter. Criteria: ACMG Guidelines, 2015. Collection method: clinical testing. Allele origin: germline.
Comment: The FOXC2 c.770C>A variant is predicted to result in the amino acid substitution p.Pro257Gln. To our knowledge, this variant has not been reported in the literature. This variant is reported in 0.10% of alleles in individuals of East Asian descent in gnomAD. At this time, the clinical significance of this variant is uncertain due to the absence of conclusive functional and genetic evidence.